The following is an entry in ClinVar:

NM_001110556.2(FLNA):c.768T>C (p.Ser256=)

Gene: FLNA (filamin A; minus strand). Cytogenetic location: Xq28.
Variant type: single nucleotide variant.
Coding change: c.768T>C on transcript NM_001110556.2 (MANE Select); coding-DNA position 768, T replaced by C.
Protein change: p.Ser256=; no amino-acid change (serine 256 retained).
Molecular consequence: synonymous variant.
Genome position (GRCh38, 1-based): chrX:154,367,497, A>G on the plus strand (T>C on the coding strand, the complement: FLNA is on the minus strand). VCF-style: chrX-154367497-A-G. GRCh37 (hg19) VCF-style: chrX-153595865-A-G.
Other names: p.Ser256=; c.768T>C, p.Ser256= (NM_001456.4).
Identifiers: ClinVar variation 533599 (VCV000533599.19), dbSNP rs782357419, ClinGen allele CA10561358.
Genomic context (GRCh38, chrX:154,367,497, plus strand): 5'-CCGCAAGGGAGCCCCTGGCTTCAGCTTGGCCTTGGGGAACTGGGACAGGTAGGTCATGAC[A>G]GAGTGCTCGTCCACGTTGGGGTCCACAATCTCCTCGGGGGTGATCACCTGTCACAGGCAG-3'
Protein context (NP_001104026.1, residues 246-266): EIVDPNVDEH[Ser256=]VMTYLSQFPK

ClinVar aggregate classification (germline): Benign/Likely benign. Review status: criteria provided, multiple submitters, no conflicts (2 of 4 stars). 6 submissions from 6 submitters: Benign (1); Likely benign (5). Last evaluated 2026-07-01.

Conditions:
Familial thoracic aortic aneurysm and aortic dissection (TAAD). Also called: Thoracic aortic aneurysms and dissections. Identifiers: Orphanet 91387, MedGen C4707243, MONDO:0019625.
Frontometaphyseal dysplasia (FMD1). Identifiers: Orphanet 1826, MedGen C0265293, MONDO:0015942.
Melnick-Needles syndrome (MNS). Also called: Melnick-Needles Syndrome (FLNA-MNS); MELNICK-NEEDLES OSTEODYSPLASTY; OSTEODYSPLASTY OF MELNICK AND NEEDLES. Identifiers: Orphanet 2484, MedGen C0025237, MONDO:0010650, OMIM 309350.
Oto-palato-digital syndrome, type II (OPD2). Also called: Otopalatodigital Syndrome Type 2 (FLNA-OPD2); FACIOPALATOOSSEOUS SYNDROME; OPD II SYNDROME; Otopalatodigital Syndrome, Type II. Identifiers: Orphanet 669, Orphanet 90652, MedGen C1844696, MONDO:0010571, OMIM 304120.
Heterotopia, periventricular, X-linked dominant (PVNH1). Also called: PERIVENTRICULAR NODULAR HETEROTOPIA 4; HETEROTOPIA, PERIVENTRICULAR, 1; X-linked periventricular heterotopia; PERIVENTRICULAR NODULAR HETEROTOPIA 1. Identifiers: Orphanet 2149, Orphanet 82004, MedGen C1848213, MONDO:0010233, OMIM 300049.

Allele frequency attached by ClinVar (database versions not stated): gnomAD 0.00005 and 0.00006; gnomAD exomes 0.00005 and 0.00009; TOPMed 0.00006; ExAC 0.00008.
gnomAD v4.1: 107 of 1,209,994 alleles (0.0088%); highest among the groups gnomAD compares: Non-Finnish European, 0.011%; no homozygotes.

Submissions (6):

CeGaT Center for Human Genetics Tuebingen
Classification: Likely benign. Last evaluated: 2026-07-01. Review status: criteria provided, single submitter. Criteria: CeGaT Center For Human Genetics Tuebingen Variant Classification Criteria Version 2. Collection method: clinical testing. Allele origin: germline. Affected: yes. Observed: 2 variant alleles.
Comment: FLNA: BP4, BP7, BS2

Labcorp Genetics (formerly Invitae), Labcorp
Classification: Benign for Oto-palato-digital syndrome, type II; Heterotopia, periventricular, X-linked dominant; Frontometaphyseal dysplasia; Melnick-Needles syndrome. Last evaluated: 2025-08-22. Review status: criteria provided, single submitter. Criteria: Invitae Variant Classification Sherloc (09022015). Collection method: clinical testing. Allele origin: germline.

Mayo Clinic Laboratories, Mayo Clinic
Classification: Likely benign. Last evaluated: 2025-05-27. Review status: criteria provided, single submitter. Criteria: ACMG Guidelines, 2015. Collection method: clinical testing. Allele origin: germline. Observed: 2 variant alleles.
Comment: BP4, BP7

Women's Health and Genetics/Laboratory Corporation of America, LabCorp
Classification: Likely benign. Last evaluated: 2025-03-25. Review status: criteria provided, single submitter. Criteria: LabCorp Variant Classification Summary - May 2015. Collection method: clinical testing. Allele origin: germline.

GeneDx
Classification: Likely benign. Last evaluated: 2021-02-25. Review status: criteria provided, single submitter. Criteria: GeneDx Variant Classification Process June 2021. Collection method: clinical testing. Allele origin: germline. Affected: yes.

Ambry Genetics
Classification: Likely benign for Familial thoracic aortic aneurysm and aortic dissection. Last evaluated: 2018-01-23. Review status: criteria provided, single submitter. Criteria: Ambry Variant Classification Scheme 2023. Collection method: clinical testing. Allele origin: germline.